The following is an entry in ClinVar:

NM_001384732.1(CPLANE1):c.1288T>C (p.Ser430Pro)

Gene: CPLANE1 (ciliogenesis and planar polarity effector complex subunit 1; minus strand). Cytogenetic location: 5p13.2.
Variant type: single nucleotide variant.
Coding change: c.1288T>C on transcript NM_001384732.1 (MANE Select); coding-DNA position 1288, T replaced by C.
Protein change: p.Ser430Pro; replaces serine 430 with proline.
Molecular consequence: missense variant.
Genome position (GRCh38, 1-based): chr5:37,227,651, A>G on the plus strand (T>C on the coding strand, the complement: CPLANE1 is on the minus strand). VCF-style: chr5-37227651-A-G. GRCh37 (hg19) VCF-style: chr5-37227753-A-G.
Other names: c.1288T>C (NM_023073.3); c.1288T>C, p.Ser430Pro (NM_023073.4); short protein forms S430P.
Identifiers: ClinVar variation 1405173 (VCV001405173.9), dbSNP rs539526918, ClinGen allele CA3239112.

ClinVar aggregate classification (germline): Uncertain significance. Review status: criteria provided, multiple submitters, no conflicts (2 of 4 stars). 2 submissions from 2 submitters: Uncertain significance (2). Last evaluated 2024-04-10.

Conditions:
Orofaciodigital syndrome type 6 (OFD6). Also called: OROFACIODIGITAL SYNDROME VI; OFDS VI; POLYDACTYLY, CLEFT LIP/PALATE OR LINGUAL LUMP, AND PSYCHOMOTOR RETARDATION; VARADI SYNDROME; VARADI-PAPP SYNDROME; Oral-facial-digital syndrome type 6. Identifiers: Orphanet 2754, MedGen C2745997, MONDO:0010176, OMIM 277170.
Joubert syndrome 17 (JBTS17). Identifiers: Orphanet 475, MedGen C3553264, MONDO:0013824, OMIM 614615.

Allele frequency attached by ClinVar (database versions not stated): gnomAD 0.00001; TOPMed 0.00001; 1000 Genomes Project 0.00020; 1000 Genomes Project 30x 0.00031.
gnomAD v4.1: 1 of 1,551,490 alleles (0.000064%); highest among the groups gnomAD compares: African/African-American, 0.0014%; no homozygotes.

Submissions (2):

Fulgent Genetics
Classification: Uncertain significance for Orofaciodigital syndrome type 6; Joubert syndrome 17. Last evaluated: 2024-04-10. Review status: criteria provided, single submitter. Criteria: ACMG Guidelines, 2015. Collection method: clinical testing. Allele origin: germline.

Labcorp Genetics (formerly Invitae), Labcorp
Classification: Uncertain significance. Last evaluated: 2023-10-03. Review status: criteria provided, single submitter. Criteria: Invitae Variant Classification Sherloc (09022015). Collection method: clinical testing. Allele origin: germline.
Comment: This sequence change replaces serine, which is neutral and polar, with proline, which is neutral and non-polar, at codon 430 of the CPLANE1 protein (p.Ser430Pro). This variant is present in population databases (rs539526918, gnomAD 0.01%). This variant has not been reported in the literature in individuals affected with CPLANE1-related conditions. ClinVar contains an entry for this variant (Variation ID: 1405173). Advanced modeling of protein sequence and biophysical properties (such as structural, functional, and spatial information, amino acid conservation, physicochemical variation, residue mobility, and thermodynamic stability) performed at Invitae indicates that this missense variant is not expected to disrupt CPLANE1 protein function. In summary, the available evidence is currently insufficient to determine the role of this variant in disease. Therefore, it has been classified as a Variant of Uncertain Significance.